The following is an entry in ClinVar:

NM_015656.2(KIF26A):c.816G>A (p.Ser272=)

Gene: KIF26A (kinesin family member 26A; plus strand). Cytogenetic location: 14q32.33.
Variant type: single nucleotide variant.
Coding change: c.816G>A on transcript NM_015656.2 (MANE Select); coding-DNA position 816, G replaced by A.
Protein change: p.Ser272=; no amino-acid change (serine 272 retained).
Molecular consequence: synonymous variant.
Genome position (GRCh38, 1-based): chr14:104,157,835, G>A. VCF-style: chr14-104157835-G-A. GRCh37 (hg19) VCF-style: chr14-104624172-G-A.
Identifiers: ClinVar variation 4084143 (VCV004084143.9).

ClinVar aggregate classification (germline): Likely benign. Review status: criteria provided, multiple submitters, no conflicts (2 of 4 stars). 2 submissions from 2 submitters: Likely benign (2). Last evaluated 2025-06-01.

gnomAD v4.1: 590 of 1,609,380 alleles (0.037%); highest among the groups gnomAD compares: East Asian, 0.13%; no homozygotes.

Submissions (2):

CeGaT Center for Human Genetics Tuebingen
Classification: Likely benign. Last evaluated: 2025-06-01. Review status: criteria provided, single submitter. Criteria: CeGaT Center For Human Genetics Tuebingen Variant Classification Criteria Version 2. Collection method: clinical testing. Allele origin: germline. Affected: yes. Observed: 1 variant allele.
Comment: KIF26A: BP4, BP7

Blueprint Genetics
Classification: Likely benign. Last evaluated: 2024-10-02. Review status: criteria provided, single submitter. Criteria: ACMG Guidelines, 2015. Collection method: clinical testing. Allele origin: germline.